The following is an entry in ClinVar:

ClinVar aggregate classification (germline): Uncertain significance. Review status: criteria provided, multiple submitters, no conflicts (2 of 4 stars). 3 submissions from 3 submitters: Uncertain significance (3). Last evaluated 2024-02-16.

Conditions:
Hereditary cancer-predisposing syndrome. Also called: Tumor predisposition; Hereditary Cancer Syndrome; Hereditary neoplastic syndrome; Neoplastic Syndromes, Hereditary. Identifiers: Orphanet 140162, MedGen C0027672, MeSH D009386, MONDO:0015356.
Mitochondrial complex II deficiency, nuclear type 1. Also called: SUCCINATE CoQ REDUCTASE DEFICIENCY. Identifiers: Orphanet 3208, MedGen C5700310, MONDO:0100294, OMIM 252011.
Pheochromocytoma/paraganglioma syndrome 5. Also called: Paragangliomas 5; SDHA-Related Hereditary Paraganglioma-Pheochromocytoma Syndrome. Identifiers: Orphanet 29072, MedGen C3279992, MONDO:0013602, OMIM 614165.
Dilated cardiomyopathy 1GG (CMD1GG). Identifiers: Orphanet 154, MedGen C3150898, MONDO:0013339, OMIM 613642.

Allele frequency attached by ClinVar (database versions not stated): gnomAD exomes below 0.00001.
gnomAD v4.1: 4 of 1,613,716 alleles (0.00025%); highest among the groups gnomAD compares: Non-Finnish European, 0.00034%; no homozygotes.

Submissions (3):

Baylor Genetics
Classification: Uncertain significance for Dilated cardiomyopathy 1GG. Last evaluated: 2024-02-16. Review status: criteria provided, single submitter. Criteria: ACMG Guidelines, 2015. Collection method: clinical testing. Allele origin: unknown.

Labcorp Genetics (formerly Invitae), Labcorp
Classification: Uncertain significance for Pheochromocytoma/paraganglioma syndrome 5; Mitochondrial complex II deficiency, nuclear type 1. Last evaluated: 2023-11-17. Review status: criteria provided, single submitter. Criteria: Invitae Variant Classification Sherloc (09022015). Collection method: clinical testing. Allele origin: germline.
Comment: This sequence change replaces valine, which is neutral and non-polar, with isoleucine, which is neutral and non-polar, at codon 67 of the SDHA protein (p.Val67Ile). This variant is not present in population databases (gnomAD no frequency). This variant has not been reported in the literature in individuals affected with SDHA-related conditions. ClinVar contains an entry for this variant (Variation ID: 1784140). Advanced modeling of protein sequence and biophysical properties (such as structural, functional, and spatial information, amino acid conservation, physicochemical variation, residue mobility, and thermodynamic stability) performed at Invitae indicates that this missense variant is not expected to disrupt SDHA protein function with a negative predictive value of 95%. In summary, the available evidence is currently insufficient to determine the role of this variant in disease. Therefore, it has been classified as a Variant of Uncertain Significance.

Ambry Genetics
Classification: Uncertain significance for Hereditary cancer-predisposing syndrome. Last evaluated: 2022-01-31. Review status: criteria provided, single submitter. Criteria: Ambry Variant Classification Scheme 2023. Collection method: clinical testing. Allele origin: germline.
Comment: The p.V67I variant (also known as c.199G>A), located in coding exon 3 of the SDHA gene, results from a G to A substitution at nucleotide position 199. The valine at codon 67 is replaced by isoleucine, an amino acid with highly similar properties. This amino acid position is conserved. In addition, this alteration is predicted to be tolerated by in silico analysis. Since supporting evidence is limited at this time, the clinical significance of this alteration remains unclear.

NM_004168.4(SDHA):c.199G>A (p.Val67Ile)

Gene: SDHA (succinate dehydrogenase complex flavoprotein subunit A; plus strand). Cytogenetic location: 5p15.33.
Variant type: single nucleotide variant.
Coding change: c.199G>A on transcript NM_004168.4 (MANE Select); coding-DNA position 199, G replaced by A.
Protein change: p.Val67Ile; replaces valine 67 with isoleucine.
Molecular consequence: missense variant.
Genome position (GRCh38, 1-based): chr5:224,408, G>A. VCF-style: chr5-224408-G-A. GRCh37 (hg19) VCF-style: chr5-224523-G-A.
Other names: c.199G>A, p.Val67Ile (NM_001294332.2, NM_001330758.2); short protein forms V67I.
Identifiers: ClinVar variation 1784140 (VCV001784140.6), dbSNP rs754770189, ClinGen allele CA112814626.